The following is an entry in ClinVar:

ClinVar aggregate classification (germline): Likely pathogenic. Review status: criteria provided, single submitter (1 of 4 stars). 2 submissions from 2 submitters: Likely pathogenic (1). 1 of the submissions does not count toward it. Last evaluated 2026-01-14.

Conditions:
Tangier disease (TGD). Also called: Cholesterol thesaurismosis; HIGH DENSITY LIPOPROTEIN DEFICIENCY, TANGIER TYPE; HIGH DENSITY LIPOPROTEIN DEFICIENCY, TYPE 1. Identifiers: Orphanet 31150, MedGen C0039292, MONDO:0008783, OMIM 205400.

Allele frequency attached by ClinVar (database versions not stated): gnomAD 0.00001; TOPMed 0.00002.
gnomAD v4.1: 10 of 1,613,842 alleles (0.00062%); highest among the groups gnomAD compares: African/African-American, 0.0013%; no homozygotes.

Submissions (2):

Labcorp Genetics (formerly Invitae), Labcorp
Classification: Likely pathogenic. Last evaluated: 2026-01-14. Review status: criteria provided, single submitter. Criteria: Invitae Variant Classification Sherloc (09022015). Collection method: clinical testing. Allele origin: germline.
Comment: This sequence change replaces arginine, which is basic and polar, with tryptophan, which is neutral and slightly polar, at codon 2081 of the ABCA1 protein (p.Arg2081Trp). This variant is not present in population databases (gnomAD no frequency). This missense change has been observed in individual(s) with Tangier disease (PMID: 11476965). It has also been observed to segregate with disease in related individuals. This variant is also known as p.Arg2021Trp. ClinVar contains an entry for this variant (Variation ID: 9494). Invitae Evidence Modeling of protein sequence and biophysical properties (such as structural, functional, and spatial information, amino acid conservation, physicochemical variation, residue mobility, and thermodynamic stability) indicates that this missense variant is expected to disrupt ABCA1 protein function with a positive predictive value of 95%. Experimental studies have shown that this missense change affects ABCA1 function (PMID: 16429166, 16873719, 24097981). Algorithms developed to predict the effect of sequence changes on RNA splicing suggest that this variant may disrupt the consensus splice site. In summary, the currently available evidence indicates that the variant is pathogenic, but additional data are needed to prove that conclusively. Therefore, this variant has been classified as Likely Pathogenic.

OMIM
Classification: Pathogenic for TANGIER DISEASE. Last evaluated: 2001-07-27. Review status: no assertion criteria provided. Collection method: literature only. Allele origin: germline. Not counted in ClinVar's aggregate classification.

Literature cited by the submitters: PubMed 11476965 (cited by Labcorp Genetics (formerly Invitae), Labcorp and OMIM); PubMed 16429166 (cited by Labcorp Genetics (formerly Invitae), Labcorp); PubMed 16873719 (cited by Labcorp Genetics (formerly Invitae), Labcorp); PubMed 24097981 (cited by Labcorp Genetics (formerly Invitae), Labcorp).

NM_005502.4(ABCA1):c.6241C>T (p.Arg2081Trp)

Genes: NIPSNAP3B (nipsnap homolog 3B; plus strand), ABCA1 (ATP binding cassette subfamily A member 1; minus strand). Cytogenetic location: 9q31.1.
Variant type: single nucleotide variant.
Coding change: c.6241C>T on transcript NM_005502.4 (MANE Select); coding-DNA position 6241, C replaced by T.
Protein change: p.Arg2081Trp; replaces arginine 2081 with tryptophan.
Molecular consequence: missense variant.
Genome position (GRCh38, 1-based): chr9:104,786,940, G>A on the plus strand (C>T on the coding strand, the complement: ABCA1 is on the minus strand). VCF-style: chr9-104786940-G-A. GRCh37 (hg19) VCF-style: chr9-107549221-G-A.
Other names: R2021W; short protein forms R2081W.
Identifiers: ClinVar variation 9494 (VCV000009494.2), dbSNP rs137854501, ClinGen allele CA120485.
Genomic context (GRCh38, chr9:104,786,940, plus strand): 5'-ATGTAAGCACTACTGATCTCCCCTCCTTGACAACACTTAGGGCACAATTCCACAAGAACC[G>A]CCGGGCTTTGGGATCCATGCCTGTGGTGGGTTCATCCTGTAATTAGAATAAAATAAGTCT-3'
Protein context (NP_005493.2, residues 2071-2091): PTTGMDPKAR[Arg2081Trp]FLWNCALSVV